The following is an entry in ClinVar:

NM_000277.3(PAH):c.1065+1G>T

Gene: PAH (phenylalanine hydroxylase; minus strand). Cytogenetic location: 12q23.2.
Variant type: single nucleotide variant.
Coding change: c.1065+1G>T on transcript NM_000277.3 (MANE Select); the canonical splice donor site of the intron after coding-DNA position 1065, G replaced by T.
Molecular consequence: splice donor variant.
Genome position (GRCh38, 1-based): chr12:102,844,335, C>A on the plus strand (G>T on the coding strand, the complement: PAH is on the minus strand). VCF-style: chr12-102844335-C-A. GRCh37 (hg19) VCF-style: chr12-103238113-C-A.
Other names: c.1065+1G>T (NM_001354304.2).
Identifiers: ClinVar variation 203872 (VCV000203872.48), dbSNP rs62516147, ClinGen allele CA312806.

ClinVar aggregate classification (germline): Likely pathogenic. Review status: reviewed by expert panel (3 of 4 stars). 6 submissions from 6 submitters: Likely pathogenic (1). 5 of the submissions do not count toward it. Last evaluated 2020-10-19.

Conditions:
Phenylketonuria (PKU). Also called: Phenylketonurias; FOLLING DISEASE; OLIGOPHRENIA PHENYLPYRUVICA; Phenylketonuria (PKU). Identifiers: Orphanet 716, MedGen C0031485, MONDO:0009861, OMIM 261600. Disease mechanism: loss of function.

Submissions (6):

ClinGen PAH Variant Curation Expert Panel
Classification: Likely pathogenic for Phenylketonuria. Last evaluated: 2020-10-19. Review status: reviewed by expert panel. Criteria: ClinGen PAH ACMG Specifications v1. Collection method: curation. Allele origin: germline. Inheritance: Autosomal recessive inheritance.
Comment: This c.1065+1G>T variant in PAH was reported in 1 patient with moderate PKU (PMID: 18299955) detected with the pathogenic variant p.Leu48Ser. A defect in BH4 metabolism was not excluded. This variant is absent from population databases. This variant in the +1 splice donor site results in exon skipping. The variant does not disrupt the reading frame, but the altered region is critical to protein function. In summary, this variant meets criteria to be classified as likely pathogenic for PAH. PAH-specific ACMG/AMP criteria applied: PVS1_strong, PM2, PP4, PM3_supporting.

3billion
Classification: Pathogenic for Phenylketonuria. Last evaluated: 2025-11-25. Review status: criteria provided, single submitter. Criteria: ACMG Guidelines, 2015. Collection method: clinical testing. Allele origin: germline. Affected: yes. Not counted in ClinVar's aggregate classification.
Comment: The variant is not observed in the gnomAD v4.1.0 dataset. Predicted Consequence/Location: Canonical splice site: predicted to alter splicing and result in a loss or disruption of normal protein function. Multiple pathogenic loss-of-function variants are reported downstream of the variant. In silico tools predict the variant to alter splicing and produce an abnormal transcript [SpliceAI: 0.60 (spliceogenicity >=0.2, non-spliceogenicity <0.1)]. The variant has been reported multiple times as an established pathogenic variant (ClinVar ID: VCV000203872 /PMID: 18299955 /3billion dataset). Therefore, this variant is classified as Pathogenic according to the recommendation of ACMG/AMP guideline.

Baylor Genetics
Classification: Pathogenic for Phenylketonuria. Last evaluated: 2023-12-06. Review status: criteria provided, single submitter. Criteria: ACMG Guidelines, 2015. Collection method: clinical testing. Allele origin: unknown. Not counted in ClinVar's aggregate classification.

Labcorp Genetics (formerly Invitae), Labcorp
Classification: Pathogenic for Phenylketonuria. Last evaluated: 2023-06-23. Review status: criteria provided, single submitter. Criteria: Invitae Variant Classification Sherloc (09022015). Collection method: clinical testing. Allele origin: germline. Not counted in ClinVar's aggregate classification.
Comment: For these reasons, this variant has been classified as Pathogenic. This sequence change affects a donor splice site in intron 10 of the PAH gene. It is expected to disrupt RNA splicing. Variants that disrupt the donor or acceptor splice site typically lead to a loss of protein function (PMID: 16199547), and loss-of-function variants in PAH are known to be pathogenic (PMID: 1301187, 9634518). This variant is not present in population databases (gnomAD no frequency). Disruption of this splice site has been observed in individual(s) with hyperphenylalaninemia (PMID: 18299955). This variant is also known as IVS10+1G>T. ClinVar contains an entry for this variant (Variation ID: 203872). Algorithms developed to predict the effect of sequence changes on RNA splicing suggest that this variant may disrupt the consensus splice site.

Women's Health and Genetics/Laboratory Corporation of America, LabCorp
Classification: Pathogenic for Phenylketonuria. Last evaluated: 2022-02-01. Review status: criteria provided, single submitter. Criteria: LabCorp Variant Classification Summary - May 2015. Collection method: clinical testing. Allele origin: germline. Not counted in ClinVar's aggregate classification.
Comment: Variant summary: PAH c.1065+1G>T is located in a canonical splice-site and is predicted to affect mRNA splicing resulting in a significantly altered protein due to either exon skipping, shortening, or inclusion of intronic material. Several computational tools predict a significant impact on normal splicing: Four predict the variant abolishes a 5 splicing donor site. However, these predictions have yet to be confirmed by functional studies. The variant was absent in 251134 control chromosomes (gnomAD). c.1065+1G>T has been reported in the literature in individuals affected with Phenylalanine Hydroxylase Deficiency (Phenylketonuria and Hyperphenylalaninemia) (Bercovich_2008, Li_2015, Li_2018, Wang_2018, Hillert_2020). These data indicate that the variant may be associated with disease. To our knowledge, no experimental evidence demonstrating an impact on protein function has been reported. Two ClinVar submitters have assessed this variant since 2014: one classified the variant as likely pathogenic and the other as pathogenic. Based on the evidence outlined above, the variant was classified as pathogenic.

CeGaT Center for Human Genetics Tuebingen
Classification: Pathogenic. Last evaluated: 2019-11-01. Review status: criteria provided, single submitter. Criteria: CeGaT Center For Human Genetics Tuebingen Variant Classification Criteria Version 2. Collection method: clinical testing. Allele origin: germline. Affected: yes. Observed: 1 variant allele. Not counted in ClinVar's aggregate classification.

Literature cited by the submitters: PubMed 18299955 (cited by 4 submitters); PubMed 16199547 (cited by Labcorp Genetics (formerly Invitae), Labcorp); PubMed 1301187 (cited by Labcorp Genetics (formerly Invitae), Labcorp); PubMed 9634518 (cited by Labcorp Genetics (formerly Invitae), Labcorp); PubMed 26503515 (cited by Women's Health and Genetics/Laboratory Corporation of America, LabCorp); PubMed 29499199 (cited by Women's Health and Genetics/Laboratory Corporation of America, LabCorp); PubMed 30050108 (cited by Women's Health and Genetics/Laboratory Corporation of America, LabCorp); PubMed 32668217 (cited by Women's Health and Genetics/Laboratory Corporation of America, LabCorp).